The following is an entry in ClinVar:

ClinVar aggregate classification (germline): Benign (0 of 4 stars; one submission).

Conditions:
SLC6A9-related disorder. Also called: SLC6A9-related condition.

Allele frequency attached by ClinVar (database versions not stated): 1000 Genomes Project 0.00619; 1000 Genomes Project 30x 0.00656; TOPMed 0.01481; gnomAD 0.01626; ESP Exome Variant Server 0.01868.
gnomAD v4.1: 31,029 of 1,613,998 alleles (1.9%); highest among the groups gnomAD compares: Non-Finnish European, 2.2%; 350 homozygotes.

Submission:

PreventionGenetics, part of Exact Sciences
Classification: Benign for SLC6A9-related condition. Last evaluated: 2019-02-27. Review status: no assertion criteria provided. Collection method: clinical testing. Allele origin: germline.
Comment: This variant is classified as benign based on ACMG/AMP sequence variant interpretation guidelines (Richards et al. 2015 PMID: 25741868, with internal and published modifications).

NM_001024845.3(SLC6A9):c.-7C>T

Gene: SLC6A9 (solute carrier family 6 member 9; minus strand). Cytogenetic location: 1p34.1.
Variant type: single nucleotide variant.
Coding change: c.-7C>T on transcript NM_001024845.3 (MANE Select); 7 bases upstream of the start codon, C replaced by T.
Molecular consequence: 5 prime UTR variant.
Genome position (GRCh38, 1-based): chr1:44,024,284, G>A on the plus strand (C>T on the coding strand, the complement: SLC6A9 is on the minus strand). VCF-style: chr1-44024284-G-A. GRCh37 (hg19) VCF-style: chr1-44489956-G-A.
Other names: c.-51C>T (NM_001328626.2, NM_001328630.2); c.-7C>T (NM_001328629.1).
Identifiers: ClinVar variation 3055410 (VCV003055410.2), dbSNP rs145104753, ClinGen allele CA818020.